The following is an entry in ClinVar:

NM_006009.4(TUBA1A):c.368G>A (p.Arg123His)

Gene: TUBA1A (tubulin alpha 1a; minus strand). Cytogenetic location: 12q13.12.
Variant type: single nucleotide variant.
Coding change: c.368G>A on transcript NM_006009.4 (MANE Select); coding-DNA position 368, G replaced by A.
Protein change: p.Arg123His; replaces arginine 123 with histidine.
Molecular consequence: missense variant.
Genome position (GRCh38, 1-based): chr12:49,186,317, C>T on the plus strand (G>A on the coding strand, the complement: TUBA1A is on the minus strand). VCF-style: chr12-49186317-C-T. GRCh37 (hg19) VCF-style: chr12-49580100-C-T.
Other names: c.368G>A, p.Arg123His (NM_001270399.2); c.263G>A, p.Arg88His (NM_001270400.2); c.368G>A (NM_006009.2); short protein forms R123H, R88H.
Identifiers: ClinVar variation 437122 (VCV000437122.11), dbSNP rs1555162456, ClinGen allele CA384643005.

ClinVar aggregate classification (germline): Pathogenic/Likely pathogenic. Review status: criteria provided, multiple submitters, no conflicts (2 of 4 stars). 5 submissions from 5 submitters: Pathogenic (2); Likely pathogenic (3). Last evaluated 2026-05-19.

Conditions:
Tubulinopathy. Also called: Tubulinopathies. Identifiers: MedGen CN850169, MONDO:0100153.
TUBA1A-related disorder. Also called: TUBA1A-related condition.
Inborn genetic diseases. Identifiers: MedGen C0950123, MeSH D030342.
Lissencephaly due to TUBA1A mutation (CDCBM16). Also called: Lissencephaly 3; CORTICAL DYSPLASIA, COMPLEX, WITH OTHER BRAIN MALFORMATIONS 16. Identifiers: Orphanet 171680, MedGen C4305153, MONDO:0012703, OMIM 611603.

Submissions (5):

Ambry Genetics
Classification: Likely pathogenic for Inborn genetic diseases. Last evaluated: 2026-05-19. Review status: criteria provided, single submitter. Criteria: Ambry Variant Classification Scheme 2023. Collection method: clinical testing. Allele origin: germline.
Comment: The c.368G>A (p.R123H) alteration is located in exon 3 (coding exon 3) of the TUBA1A gene. This alteration results from a G to A substitution at nucleotide position 368, causing the arginine (R) at amino acid position 123 to be replaced by a histidine (H). This variant was not reported in population-based cohorts in the Genome Aggregation Database (gnomAD). This variant was determined to be de novo in at least one individual with features consistent with TUBA1A-related tubulinopathy (Romaniello, 2017; external communication). This amino acid position is highly conserved in available vertebrate species. This missense variant is located in a region that has a low rate of benign missense variation (Lek, 2016; Firth, 2009). This alteration is predicted to be tolerated by in silico analysis. Based on the available evidence, this alteration is classified as likely pathogenic.

GeneDx
Classification: Pathogenic. Last evaluated: 2025-08-08. Review status: criteria provided, single submitter. Criteria: GeneDx Variant Classification Process June 2021. Collection method: clinical testing. Allele origin: germline. Affected: yes.
Comment: Not observed at significant frequency in large population cohorts (gnomAD); Missense variants in this gene are a common cause of disease and they are underrepresented in the general population; In silico analysis supports that this missense variant has a deleterious effect on protein structure/function; This variant is associated with the following publications: (PMID: 30744660, 24860126, 25666757, 28677066)

PreventionGenetics, part of Exact Sciences
Classification: Likely pathogenic for TUBA1A-related condition. Last evaluated: 2025-06-11. Review status: criteria provided, single submitter. Criteria: ACMG Guidelines, 2015. Collection method: clinical testing. Allele origin: germline.
Comment: The TUBA1A c.368G>A variant is predicted to result in the amino acid substitution p.Arg123His. This variant has been reported to occur de novo in a patient with developmental delay, intellectual disability, congenital microcephaly and abnormal neuroimaging which shows cortical dysplasia, asymmetrical pons, thick right cerebellar peduncles, asymmetrical mesencephalon, enlarged IV ventricle, thin corpus callosum, and absent/thin anterior limb internal capsule (P34016 in Romaniello et al. 2017. PubMed ID: 28677066). An alternate substitution of this amino acid residue (p.Arg123Cys) has also been reported as a de novo variant in individuals with tubulinopathy (Bahi-Buisson et al. 2014. PubMed ID: 24860126; Jin et al. 2020. PubMed ID: 32989326). This variant is absent in a large population database (gnomAD), indicating this variant is rare. This variant is interpreted as likely pathogenic.

Institute of Human Genetics, FAU Erlangen, Friedrich-Alexander-Universität Erlangen-Nürnberg
Classification: Pathogenic for Tubulinopathies. Last evaluated: 2018-07-01. Review status: criteria provided, single submitter. Criteria: ACMG Guidelines, 2015. Collection method: literature only. Allele origin: de novo. Affected: yes. Observed: 1 variant allele.
Comment: The c.368G>A, p.(Arg123His) variant has been reported as a variant of de novo origin. This variant and associated phenotype was previously reported by Romaniello et al. Eur Radiol, 2017 PMID: 28677066. HPO-standardized clinical features were: Hypoplasia of the corpus callosum (HP:0002079); Brainstem dysplasia (HP:0002508); Congenital microcephaly (HP:0011451); normal (NA); Infantile spasms (HP:0012469)

Genetic Services Laboratory, University of Chicago
Classification: Likely pathogenic for Lissencephaly 3. Last evaluated: 2017-03-21. Review status: criteria provided, single submitter. Criteria: ACMG Guidelines, 2015. Collection method: clinical testing. Allele origin: germline. Affected: yes.

Literature cited by the submitters: PubMed 28677066 (cited by Ambry Genetics); PubMed 30744660 (cited by Ambry Genetics and Institute of Human Genetics, FAU Erlangen, Friedrich-Alexander-Universität Erlangen-Nürnberg); DOI 10.1101/427948 (cited by Institute of Human Genetics, FAU Erlangen, Friedrich-Alexander-Universität Erlangen-Nürnberg).